The following is an entry in ClinVar:

NM_001371533.1(FUT8):c.417C>T (p.Asn139=)

Gene: FUT8 (fucosyltransferase 8; plus strand). Cytogenetic location: 14q23.3.
Variant type: single nucleotide variant.
Coding change: c.417C>T on transcript NM_001371533.1 (MANE Select); coding-DNA position 417, C replaced by T.
Protein change: p.Asn139=; no amino-acid change (asparagine 139 retained).
Molecular consequence: synonymous variant. On other transcripts: 5 prime UTR variant (1), non-coding transcript variant (1).
Genome position (GRCh38, 1-based): chr14:65,616,308, C>T. VCF-style: chr14-65616308-C-T. GRCh37 (hg19) VCF-style: chr14-66083026-C-T.
Other names: c.417C>T, p.Asn139= (NM_001371534.1, NM_001371536.1, NM_178155.3 and 1 more transcripts); c.-73C>T (NM_004480.4).
Identifiers: ClinVar variation 3033957 (VCV003033957.2), dbSNP rs757724110, ClinGen allele CA7233201.

ClinVar aggregate classification (germline): Likely benign (0 of 4 stars; one submission).

Conditions:
FUT8-related disorder. Also called: FUT8-related condition.

Allele frequency attached by ClinVar (database versions not stated): gnomAD exomes below 0.00001; TOPMed below 0.00001; ExAC 0.00001.
gnomAD v4.1: 5 of 1,612,538 alleles (0.00031%); highest among the groups gnomAD compares: Non-Finnish European, 0.000085%; no homozygotes.

Submission:

PreventionGenetics, part of Exact Sciences
Classification: Likely benign for FUT8-related condition. Last evaluated: 2019-06-11. Review status: no assertion criteria provided. Collection method: clinical testing. Allele origin: germline.
Comment: This variant is classified as likely benign based on ACMG/AMP sequence variant interpretation guidelines (Richards et al. 2015 PMID: 25741868, with internal and published modifications).